The following is an entry in ClinVar:

NM_002907.4(RECQL):c.1258_1282del (p.Phe420fs)

Gene: RECQL (RecQ like helicase; minus strand). Cytogenetic location: 12p12.1.
Variant type: Deletion.
Coding change: c.1258_1282del on transcript NM_002907.4 (MANE Select); coding-DNA positions 1258 to 1282, 25 bases deleted (TTTGGAGATATATTCAGAATAAGTT).
Protein change: p.Phe420fs; shifts the reading frame from phenylalanine 420.
Molecular consequence: frameshift variant.
Genome position (GRCh38, 1-based): chr12:21,474,914-21,474,938, AACTTATTCTGAATATATCTCCAAA deleted on the plus strand (TTTGGAGATATATTCAGAATAAGTT on the coding strand, the reverse complement: RECQL is on the minus strand). VCF-style (leftmost placement, unchanged base first): chr12-21474913-GAACTTATTCTGAATATATCTCCAAA-G. GRCh37 (hg19) VCF-style: chr12-21627847-GAACTTATTCTGAATATATCTCCAAA-G.
Other names: c.1258_1282del, p.Phe420fs (NM_032941.3); short protein forms F420fs.
Identifiers: ClinVar variation 2920831 (VCV002920831.4), dbSNP rs2540341048, ClinGen allele CA2739271881.

ClinVar aggregate classification (germline): Uncertain significance. Review status: criteria provided, multiple submitters, no conflicts (2 of 4 stars). 2 submissions from 2 submitters: Uncertain significance (2). Last evaluated 2023-06-14.

Conditions:
RECON progeroid syndrome (RECON). Identifiers: MedGen C5830504, MONDO:0957266, OMIM 620370.

Submissions (2):

Labcorp Genetics (formerly Invitae), Labcorp
Classification: Uncertain significance. Last evaluated: 2023-06-14. Review status: criteria provided, single submitter. Criteria: Invitae Variant Classification Sherloc (09022015). Collection method: clinical testing. Allele origin: germline.
Comment: In summary, the available evidence is currently insufficient to determine the role of this variant in disease. Therefore, it has been classified as a Variant of Uncertain Significance. This variant has not been reported in the literature in individuals affected with RECQL-related conditions. This sequence change creates a premature translational stop signal (p.Phe420Glnfs*4) in the RECQL gene. It is expected to result in an absent or disrupted protein product. However, the current clinical and genetic evidence is not sufficient to establish whether loss-of-function variants in RECQL cause disease. This variant is not present in population databases (gnomAD no frequency).

ARUP Laboratories, Molecular Genetics and Genomics, ARUP Laboratories
Classification: Uncertain significance for RECON progeroid syndrome. Last evaluated: 2022-12-01. Review status: criteria provided, single submitter. Criteria: ARUP Molecular Germline Variant Investigation Process 2024. Collection method: clinical testing. Allele origin: germline.
Comment: The RECQL c.1258_1282del; p.Phe420GlnfsTer4 variant, to our knowledge, is not reported in the medical literature or gene specific databases. This variant is also absent from the Genome Aggregation Database, indicating it is not a common polymorphism. This variant causes a frameshift by deleting 25 nucleotides, so it is predicted to result in a truncated protein or mRNA subject to nonsense-mediated decay. However, it is uncertain whether loss-of-function variants in RECQL are associated with an increased risk of breast cancer (Bowden 2019). Therefore, the clinical significance of this variant is uncertain at this time. References: Bowden AR and Tischkowitz M. Clinical implications of germline mutations in breast cancer genes: RECQL. Breast Cancer Res Treat. 2019 Apr;174(3):553-560. PMID: 30610487.